The following is an entry in ClinVar:

NM_018255.4(ELP2):c.1384C>T (p.Arg462Trp)

Gene: ELP2 (elongator acetyltransferase complex subunit 2; plus strand). Cytogenetic location: 18q12.2.
Variant type: single nucleotide variant.
Coding change: c.1384C>T on transcript NM_018255.4 (MANE Select); coding-DNA position 1384, C replaced by T.
Protein change: p.Arg462Trp; replaces arginine 462 with tryptophan.
Molecular consequence: missense variant. On other transcripts: non-coding transcript variant (4).
Genome position (GRCh38, 1-based): chr18:36,156,574, C>T. VCF-style: chr18-36156574-C-T. GRCh37 (hg19) VCF-style: chr18-33736537-C-T.
Other names: c.1579C>T, p.Arg527Trp (NM_001242875.3); c.1369C>T, p.Arg457Trp (NM_001242876.3); c.1306C>T, p.Arg436Trp (NM_001242877.3); c.1174C>T, p.Arg392Trp (NM_001242878.3, NM_001242879.3); c.1252C>T, p.Arg418Trp (NM_001324465.2); c.1501C>T, p.Arg501Trp (NM_001324466.2); c.1234C>T, p.Arg412Trp (NM_001324467.2); c.937C>T, p.Arg313Trp (NM_001324468.2); short protein forms R527W, R392W, R412W, R501W, R418W, R457W, R313W, R436W.
Identifiers: ClinVar variation 225038 (VCV000225038.13), dbSNP rs767713084, ClinGen allele CA358263.

ClinVar aggregate classification (germline): Conflicting classifications of pathogenicity. Review status: criteria provided, conflicting classifications (1 of 4 stars). 5 submissions from 5 submitters: Pathogenic (1); Likely pathogenic (2); Uncertain significance (1). 1 of the submissions does not count toward it. Last evaluated 2026-03-25.

Conditions:
Inborn genetic diseases. Identifiers: MedGen C0950123, MeSH D030342.
Intellectual developmental disorder, autosomal recessive 58. Also called: Intellectual disability, autosomal recessive 58. Identifiers: MedGen C4310641, MONDO:0014996, OMIM 617270.

Allele frequency attached by ClinVar (database versions not stated): gnomAD 0.00002 and 0.00003; gnomAD exomes 0.00002 and 0.00003; TOPMed 0.00002; ExAC 0.00004.
gnomAD v4.1: 36 of 1,613,904 alleles (0.0022%); highest among the groups gnomAD compares: Non-Finnish European, 0.0029%; no homozygotes.

Submissions (5):

Dasa
Classification: Likely pathogenic. Last evaluated: 2026-03-25. Review status: criteria provided, single submitter. Criteria: DASA Assertion Criteria. Collection method: clinical testing. Allele origin: germline.
Comment: NM_018255.4(ELP2):c.1384C>T (p.Arg462Trp) is a missense variant that results in the substitution of arginine with tryptophan. This variant has been recurrently observed in individuals with related phenotype (PMID: 25847581; PMID: 21937992). Segregation evidence has been reported in affected families. Multiple computational predictions support a deleterious effect on the gene or gene product. The variant is present at low frequency in population datasets. Based on the available data, this variant is classified as likely pathogenic.

Eurofins Ntd Llc (ga)
Classification: Uncertain significance. Last evaluated: 2017-11-20. Review status: criteria provided, single submitter. Criteria: EGL Classification Definitions 2015. Collection method: clinical testing. Allele origin: germline. Observed: 1 variant allele, 1 heterozygote.

GeneDx
Classification: Likely pathogenic. Last evaluated: 2016-07-05. Review status: criteria provided, single submitter. Criteria: GeneDx Variant Classification (06012015). Collection method: clinical testing. Allele origin: germline. Affected: yes.
Comment: The R527W variant in the ELP2 gene has been reported previously as a likely pathogenic variant, in the compound heterozygous state opposite a second ELP2 variant, in two brothers with severe intellectual disability, spastic diplegia, truncal hypotonia, and self-injurious behavior (Cohen et al., 2015). In addition, a different amino acid change at the same residue (R527L), denoted as R426L due to alternative nomenclature, has been reported to be homozygous in a consanguineous family with nonsyndromic intellectual disability (Najmabadi et al., 2011). The R527W variant was not observed in approximately 6,500 individuals of European and African American ancestry in the NHLBI Exome Sequencing Project, indicating it is not a common benign variant in these populations. The R527W variant is a non-conservative amino acid substitution, which is likely to impact secondary protein structure as these residues differ in polarity, charge, size and/or other properties. This substitution occurs at a position that is conserved across species and in silico analysis predicts this variant is probably damaging to the protein structure/function. The R527W variant is a strong candidate for a pathogenic variant, however the possibility it may be a rare benign variant cannot be excluded.

Ambry Genetics
Classification: Pathogenic for Inborn genetic diseases. Last evaluated: 2013-09-10. Review status: criteria provided, single submitter. Criteria: Ambry Autosomal Dominant and X-Linked criteria (10/2015). Collection method: clinical testing. Allele origin: germline. Observed: 1 variant allele.

OMIM
Classification: Pathogenic for INTELLECTUAL DEVELOPMENTAL DISORDER, AUTOSOMAL RECESSIVE 58. Last evaluated: 2011-09-21. Review status: no assertion criteria provided. Collection method: literature only. Allele origin: germline. Not counted in ClinVar's aggregate classification.

Literature cited by the submitters: PubMed 25847581 (cited by Dasa and OMIM); PubMed 21937992 (cited by Dasa and OMIM).